The following is an entry in ClinVar:

NM_000051.4(ATM):c.2119_2123del (p.Ser707fs)

Gene: ATM (ATM serine/threonine kinase; plus strand). Cytogenetic location: 11q22.3.
Variant type: Deletion.
Coding change: c.2119_2123del on transcript NM_000051.4 (MANE Select); coding-DNA positions 2119 to 2123, 5 bases deleted (TCTGA; older notation c.2119_2123delTCTGA).
Protein change: p.Ser707fs; shifts the reading frame from serine 707.
Molecular consequence: frameshift variant.
Genome position (GRCh38, 1-based): chr11:108,254,034-108,254,038, TCTGA deleted; deleting any 5 consecutive bases within chr11:108,254,033-108,254,038 gives the same sequence; the c. name uses the placement nearest the transcript's 3' end. VCF-style (leftmost placement, unchanged base first): chr11-108254032-CATCTG-C. GRCh37 (hg19) VCF-style: chr11-108124759-CATCTG-C.
Other names: c.2119_2123delTCTGA (NM_000051.3); c.2119_2123del, p.Ser707fs (NM_001351834.2); short protein forms S707fs.
Identifiers: ClinVar variation 431775 (VCV000431775.15), dbSNP rs1555073529, ClinGen allele CA645372904.
Genomic context (GRCh38, chr11:108,254,032, plus strand): 5'-TCAAGGAATCACTGGATCGCTGTCTTCTGGGATTATCAGAACAGCTTCTGAATAATTACT[CATCTG>C]AGGTGAGATTTTTTAAAAAAAGAACTAAGCTTATATATGATTCAACTTTGGTAAACTGTT-3'

ClinVar aggregate classification (germline): Pathogenic. Review status: criteria provided, multiple submitters, no conflicts (2 of 4 stars). 4 submissions from 4 submitters: Pathogenic (4). Last evaluated 2026-09-01.

Conditions:
Familial cancer of breast. Also called: BREAST CANCER, FAMILIAL; Hereditary breast cancer; hereditary breast carcinoma. Identifiers: Orphanet 227535, MedGen C0346153, MONDO:0016419, OMIM 114480. Disease mechanism: loss of function.
Hereditary cancer-predisposing syndrome. Also called: Hereditary Cancer Syndrome; Hereditary neoplastic syndrome; Neoplastic Syndromes, Hereditary; Tumor predisposition. Identifiers: Orphanet 140162, MedGen C0027672, MeSH D009386, MONDO:0015356.
Ataxia-telangiectasia syndrome (AT). Also called: Ataxia-telangiectasia, complementation group E; LOUIS-BAR SYNDROME; Cerebello-oculocutaneous telangiectasia; Immunodeficiency with ataxia telangiectasia; Ataxia-telangiectasia, complementation group D; AT, COMPLEMENTATION GROUP C. Identifiers: Orphanet 100, MedGen C0004135, MONDO:0008840, OMIM 208900.

Submissions (4):

Myriad Genetics, Inc.
Classification: Pathogenic for Familial cancer of breast. Last evaluated: 2026-09-01. Review status: criteria provided, single submitter. Criteria: Myriad Autosomal Dominant, Autosomal Recessive and X-Linked Classification Criteria (2023). Collection method: clinical testing. Allele origin: unknown.
Comment: This variant is considered pathogenic. This variant creates a frameshift predicted to result in premature protein truncation.

Labcorp Genetics (formerly Invitae), Labcorp
Classification: Pathogenic for Ataxia-telangiectasia syndrome. Last evaluated: 2025-07-14. Review status: criteria provided, single submitter. Criteria: Invitae Variant Classification Sherloc (09022015). Collection method: clinical testing. Allele origin: germline.
Comment: This sequence change creates a premature translational stop signal (p.Ser707Aspfs*29) in the ATM gene. It is expected to result in an absent or disrupted protein product. Loss-of-function variants in ATM are known to be pathogenic (PMID: 23807571, 25614872). This variant is not present in population databases (gnomAD no frequency). This premature translational stop signal has been observed in individual(s) with breast and/or ovarian cancer (PMID: 28591191). This variant is also known as c.2503_2507del. ClinVar contains an entry for this variant (Variation ID: 431775). For these reasons, this variant has been classified as Pathogenic.

GeneDx
Classification: Pathogenic. Last evaluated: 2024-06-28. Review status: criteria provided, single submitter. Criteria: GeneDx Variant Classification Process June 2021. Collection method: clinical testing. Allele origin: germline. Affected: yes.
Comment: Frameshift variant predicted to result in protein truncation or nonsense mediated decay in a gene for which loss-of-function is a known mechanism of disease; Observed in an individual with ovarian cancer (PMID: 28591191); Not observed at significant frequency in large population cohorts (gnomAD); Truncating variants in this gene are considered pathogenic by a well-established clinical consortium and/or database; This variant is associated with the following publications: (PMID: 28591191, 34308104)

Ambry Genetics
Classification: Pathogenic for Hereditary cancer-predisposing syndrome. Last evaluated: 2022-12-28. Review status: criteria provided, single submitter. Criteria: Ambry Variant Classification Scheme 2023. Collection method: clinical testing. Allele origin: germline.
Comment: The c.2119_2123delTCTGA pathogenic mutation, located in coding exon 12 of the ATM gene, results from a deletion of 5 nucleotides between nucleotide positions 2119 and 2123, causing a translational frameshift with a predicted alternate stop codon. This alteration is expected to result in loss of function by premature protein truncation or nonsense-mediated mRNA decay. As such, this alteration is interpreted as a disease-causing mutation.

Literature cited by the submitters: PubMed 23807571 (cited by Labcorp Genetics (formerly Invitae), Labcorp); PubMed 25614872 (cited by Labcorp Genetics (formerly Invitae), Labcorp); PubMed 28591191 (cited by Labcorp Genetics (formerly Invitae), Labcorp).